The following is an entry in ClinVar:

NM_003002.4(SDHD):c.113_122del (p.Arg38fs)

Gene: SDHD (succinate dehydrogenase complex subunit D; plus strand). Cytogenetic location: 11q23.1.
Variant type: Deletion.
Coding change: c.113_122del on transcript NM_003002.4 (MANE Select); coding-DNA positions 113 to 122, 10 bases deleted (GACCTATCCC; older notation c.113_122delGACCTATCCC).
Protein change: p.Arg38fs; shifts the reading frame from arginine 38.
Molecular consequence: frameshift variant. On other transcripts: non-coding transcript variant (1), intron variant (1).
Genome position (GRCh38, 1-based): chr11:112,087,917-112,087,926, GACCTATCCC deleted; deleting any 10 consecutive bases within chr11:112,087,915-112,087,926 gives the same sequence; the c. name uses the placement nearest the transcript's 3' end. VCF-style (leftmost placement, unchanged base first): chr11-112087914-ACCGACCTATC-A. GRCh37 (hg19) VCF-style: chr11-111958638-ACCGACCTATC-A.
Other names: c.113_122del, p.Arg38fs (NM_001276503.2, NM_001276506.2); c.53-950_53-941del (NM_001276504.2); short protein forms R38fs.
Identifiers: ClinVar variation 3381964 (VCV003381964.2).

ClinVar aggregate classification (germline): Likely pathogenic (1 of 4 stars; one submission).

Conditions:
Pheochromocytoma. Also called: MAX-Related Hereditary Paraganglioma-Pheochromocytoma Syndrome. Identifiers: Orphanet 29072, MedGen C0031511, MONDO:0008233, OMIM 171300, HP:0002666.
Carney-Stratakis syndrome. Also called: PARAGANGLIOMA AND GASTROINTESTINAL STROMAL TUMOR. Identifiers: Orphanet 97286, MedGen C1847319, MONDO:0011740, OMIM 606864.
Mitochondrial complex 2 deficiency, nuclear type 3. Also called: MITOCHONDRIAL COMPLEX II DEFICIENCY, NUCLEAR TYPE 3. Identifiers: MedGen C5436934, MONDO:0030937, OMIM 619167.
Pheochromocytoma/paraganglioma syndrome 1. Also called: Paragangliomas 1; Glomus tumors familial 1; PARAGANGLIOMATA; Paraganglioma - glomus jugulare; SDHD-Related Hereditary Paraganglioma-Pheochromocytoma Syndrome; PARAGANGLIOMAS, FAMILIAL NONCHROMAFFIN, 1. Identifiers: Orphanet 29072, MedGen C3494181, MONDO:0008192, OMIM 168000.

Submission:

Juno Genomics, Hangzhou Juno Genomics, Inc
Classification: Likely pathogenic for Mitochondrial complex 2 deficiency, nuclear type 3; Carney-Stratakis syndrome; Pheochromocytoma/paraganglioma syndrome 1; Pheochromocytoma. Review status: criteria provided, single submitter. Criteria: ACMG Guidelines, 2015. Collection method: clinical testing. Allele origin: germline. Affected: yes.
Comment: Null variant in a gene where loss of function (LOF) is a known mechanism of disease.;Absent from controls (or at extremely low frequency if recessive) in Genome Aggregation Database, Exome Sequencing Project, 1000 Genomes Project, or Exome Aggregation Consortium.